The following is an entry in ClinVar:

ClinVar aggregate classification (germline): Uncertain significance. Review status: criteria provided, multiple submitters, no conflicts (2 of 4 stars). 2 submissions from 2 submitters: Uncertain significance (2). Last evaluated 2025-01-23.

Conditions:
Spinal muscular atrophy, lower extremity-predominant, 2b, prenatal onset, autosomal dominant. Also called: Spinal muscular atrophy, lower extremity-predominant, 2B, autosomal dominant. Identifiers: MedGen C4749003, MONDO:0032660, OMIM 618291.
Autosomal dominant childhood-onset proximal spinal muscular atrophy with contractures (SMALED2A). Also called: SPINAL MUSCULAR ATROPHY, LOWER EXTREMITY-PREDOMINANT, 2A, CHILDHOOD ONSET, AUTOSOMAL DOMINANT; Spinal muscular atrophy, lower extremity-predominant, 2A, autosomal dominant. Identifiers: Orphanet 363447, Orphanet 363454, MedGen C4747715, MONDO:0014121, OMIM 615290.

gnomAD v4.1: 3 of 1,613,760 alleles (0.00019%); highest among the groups gnomAD compares: South Asian, 0.0022%; no homozygotes.

Submissions (2):

Labcorp Genetics (formerly Invitae), Labcorp
Classification: Uncertain significance for Autosomal dominant childhood-onset proximal spinal muscular atrophy with contractures. Last evaluated: 2025-01-23. Review status: criteria provided, single submitter. Criteria: Invitae Variant Classification Sherloc (09022015). Collection method: clinical testing. Allele origin: germline.
Comment: This sequence change replaces serine, which is neutral and polar, with asparagine, which is neutral and polar, at codon 618 of the BICD2 protein (p.Ser618Asn). This variant is not present in population databases (gnomAD no frequency). This variant has not been reported in the literature in individuals affected with BICD2-related conditions. Invitae Evidence Modeling of protein sequence and biophysical properties (such as structural, functional, and spatial information, amino acid conservation, physicochemical variation, residue mobility, and thermodynamic stability) indicates that this missense variant is not expected to disrupt BICD2 protein function with a negative predictive value of 80%. In summary, the available evidence is currently insufficient to determine the role of this variant in disease. Therefore, it has been classified as a Variant of Uncertain Significance.

Neuberg Centre For Genomic Medicine, NCGM
Classification: Uncertain significance for Spinal muscular atrophy, lower extremity-predominant, 2b, prenatal onset, autosomal dominant. Last evaluated: 2024-02-01. Review status: criteria provided, single submitter. Criteria: ACMG Guidelines, 2015. Collection method: clinical testing. Allele origin: germline. Inheritance: Autosomal dominant inheritance.
Comment: The missense variant has not been reported previously as a pathogenic variant nor as a benign variant, to our knowledge.

NM_001003800.2(BICD2):c.1853G>A (p.Ser618Asn)

Gene: BICD2 (BICD cargo adaptor 2; minus strand). Cytogenetic location: 9q22.31.
Variant type: single nucleotide variant.
Coding change: c.1853G>A on transcript NM_001003800.2 (MANE Select); coding-DNA position 1853, G replaced by A.
Protein change: p.Ser618Asn; replaces serine 618 with asparagine.
Molecular consequence: missense variant.
Genome position (GRCh38, 1-based): chr9:92,718,792, C>T on the plus strand (G>A on the coding strand, the complement: BICD2 is on the minus strand). VCF-style: chr9-92718792-C-T. GRCh37 (hg19) VCF-style: chr9-95481074-C-T.
Other names: c.1853G>A, p.Ser618Asn (NM_015250.4); short protein forms S618N.
Identifiers: ClinVar variation 3612987 (VCV003612987.3).